The following is an entry in ClinVar:

NM_139076.3(ABRAXAS1):c.1174G>A (p.Glu392Lys)

Gene: ABRAXAS1 (abraxas 1, BRCA1 A complex subunit; minus strand). Cytogenetic location: 4q21.23.
Variant type: single nucleotide variant.
Coding change: c.1174G>A on transcript NM_139076.3 (MANE Select); coding-DNA position 1174, G replaced by A.
Protein change: p.Glu392Lys; replaces glutamic acid 392 with lysine.
Molecular consequence: missense variant.
Genome position (GRCh38, 1-based): chr4:83,462,525, C>T on the plus strand (G>A on the coding strand, the complement: ABRAXAS1 is on the minus strand). VCF-style: chr4-83462525-C-T. GRCh37 (hg19) VCF-style: chr4-84383678-C-T.
Other names: c.847G>A, p.Glu283Lys (NM_001345962.2); short protein forms E283K, E392K.
Identifiers: ClinVar variation 5028657 (VCV005028657.1).
Genomic context (GRCh38, chr4:83,462,525, plus strand): 5'-AGGATCAAAATGTAGGAGACCGTGAATATTCACCAAAACCCTTCATCTTTTCAATTTCTT[C>T]ATCTGTTTCTGGGCTGCTCATTTTGGATGCTTTATCTTGGTTACTACTACCAGTATCTGC-3'
Protein context (NP_620775.2, residues 382-402): ASKMSSPETD[Glu392Lys]EIEKMKGFGE

ClinVar aggregate classification (germline): Uncertain significance (1 of 4 stars; one submission).

Submission:

Ambry Genetics
Classification: Uncertain significance. Last evaluated: 2026-07-20. Review status: criteria provided, single submitter. Criteria: Ambry Variant Classification Scheme 2023. Collection method: clinical testing. Allele origin: germline.
Comment: The p.E392K variant (also known as c.1174G>A), located in coding exon 9 of the FAM175A gene, results from a G to A substitution at nucleotide position 1174. The glutamic acid at codon 392 is replaced by lysine, an amino acid with similar properties. This amino acid position is conserved. In addition, this alteration is predicted to be tolerated by in silico analysis. Based on the available evidence, the clinical significance of this variant remains unclear.